The following is an entry in ClinVar:

ClinVar aggregate classification (germline): Uncertain significance (1 of 4 stars; one submission).

Conditions:
Hypertrophic cardiomyopathy. Also called: HYPERTROPHIC MYOCARDIOPATHY. Identifiers: Orphanet 217569, MedGen C0007194, MeSH D002312, MONDO:0005045, HP:0001639.

Submission:

Labcorp Genetics (formerly Invitae), Labcorp
Classification: Uncertain significance for Hypertrophic cardiomyopathy. Last evaluated: 2022-08-23. Review status: criteria provided, single submitter. Criteria: Invitae Variant Classification Sherloc (09022015). Collection method: clinical testing. Allele origin: germline.
Comment: In summary, the available evidence is currently insufficient to determine the role of this variant in disease. Therefore, it has been classified as a Variant of Uncertain Significance. ClinVar contains an entry for this variant (Variation ID: 1515576). Algorithms developed to predict the effect of missense changes on protein structure and function (SIFT, PolyPhen-2, Align-GVGD) all suggest that this variant is likely to be disruptive. This variant is found within a region of MYH7 between codons 181 and 937 that contains the majority of the myosin head domain. Missense variants in this region have been shown to be significantly overrepresented in individuals with hypertrophic cardiomyopathy (PMID: 27532257). This sequence change replaces leucine, which is neutral and non-polar, with proline, which is neutral and non-polar, at codon 557 of the MYH7 protein (p.Leu557Pro). This variant is not present in population databases (gnomAD no frequency). This variant has not been reported in the literature in individuals affected with MYH7-related conditions.

Literature cited by the submitters: PubMed 27532257.

NM_000257.4(MYH7):c.1670T>C (p.Leu557Pro)

Gene: MYH7 (myosin heavy chain 7; minus strand). Cytogenetic location: 14q11.2.
Variant type: single nucleotide variant.
Coding change: c.1670T>C on transcript NM_000257.4 (MANE Select); coding-DNA position 1670, T replaced by C.
Protein change: p.Leu557Pro; replaces leucine 557 with proline.
Molecular consequence: missense variant.
Genome position (GRCh38, 1-based): chr14:23,427,803, A>G on the plus strand (T>C on the coding strand, the complement: MYH7 is on the minus strand). VCF-style: chr14-23427803-A-G. GRCh37 (hg19) VCF-style: chr14-23897012-A-G.
Other names: short protein forms L557P.
Identifiers: ClinVar variation 1515576 (VCV001515576.8), dbSNP rs1214637312, ClinGen allele CA389050068.